The following is an entry in ClinVar:

ClinVar aggregate classification (germline): Uncertain significance (1 of 4 stars; one submission).

Allele frequency attached by ClinVar (database versions not stated): gnomAD exomes below 0.00001; TOPMed below 0.00001.
gnomAD v4.1: 2 of 1,588,364 alleles (0.00013%); highest among the groups gnomAD compares: Admixed American, 0.0018%; no homozygotes.

Submission:

Labcorp Genetics (formerly Invitae), Labcorp
Classification: Uncertain significance. Last evaluated: 2023-05-15. Review status: criteria provided, single submitter. Criteria: Invitae Variant Classification Sherloc (09022015). Collection method: clinical testing. Allele origin: germline.
Comment: This sequence change replaces serine, which is neutral and polar, with glycine, which is neutral and non-polar, at codon 1795 of the MPDZ protein (p.Ser1795Gly). In summary, the available evidence is currently insufficient to determine the role of this variant in disease. Therefore, it has been classified as a Variant of Uncertain Significance. An algorithm developed to predict the effect of missense changes on protein structure and function (PolyPhen-2) suggests that this variant is likely to be disruptive. This variant has not been reported in the literature in individuals affected with MPDZ-related conditions. The frequency data for this variant in the population databases is considered unreliable, as metrics indicate poor data quality at this position in the gnomAD database.

NM_001378778.1(MPDZ):c.5470A>G (p.Ser1824Gly)

Gene: MPDZ (multiple PDZ domain crumbs cell polarity complex component; minus strand). Cytogenetic location: 9p23.
Variant type: single nucleotide variant.
Coding change: c.5470A>G on transcript NM_001378778.1 (MANE Select); coding-DNA position 5470, A replaced by G.
Protein change: p.Ser1824Gly; replaces serine 1824 with glycine.
Molecular consequence: missense variant.
Genome position (GRCh38, 1-based): chr9:13,114,018, T>C on the plus strand (A>G on the coding strand, the complement: MPDZ is on the minus strand). VCF-style: chr9-13114018-T-C. GRCh37 (hg19) VCF-style: chr9-13114017-T-C.
Other names: c.5371A>G, p.Ser1791Gly (NM_001261406.2, NM_001375416.1, NM_001375417.1 and 1 more transcripts); c.5284A>G, p.Ser1762Gly (NM_001261407.2, NM_001375419.1); c.5470A>G, p.Ser1824Gly (NM_001330637.2); c.5173A>G, p.Ser1725Gly (NM_001375425.1, NM_001375426.1); c.5062A>G, p.Ser1688Gly (NM_001375427.1); c.5383A>G, p.Ser1795Gly (NM_003829.5); c.5569A>G, p.Ser1857Gly (NM_001375413.1); c.5260A>G, p.Ser1754Gly (NM_001375420.1, NM_001375421.1, NM_001375422.1 and 2 more transcripts); short protein forms S1725G, S1795G, S1824G, S1688G, S1754G, S1857G, S1762G, S1791G.
Identifiers: ClinVar variation 2776232 (VCV002776232.3), dbSNP rs888575866, ClinGen allele CA372942278.